The following is an entry in ClinVar:

NM_022089.4(ATP13A2):c.2459C>G (p.Ser820Cys)

Gene: ATP13A2 (ATPase cation transporting 13A2; minus strand). Cytogenetic location: 1p36.13.
Variant type: single nucleotide variant.
Coding change: c.2459C>G on transcript NM_022089.4 (MANE Select); coding-DNA position 2459, C replaced by G.
Protein change: p.Ser820Cys; replaces serine 820 with cysteine.
Molecular consequence: missense variant. On other transcripts: intron variant (1).
Genome position (GRCh38, 1-based): chr1:16,989,957, G>C on the plus strand (C>G on the coding strand, the complement: ATP13A2 is on the minus strand). VCF-style: chr1-16989957-G-C. GRCh37 (hg19) VCF-style: chr1-17316452-G-C.
Other names: c.2444C>G, p.Ser815Cys (NM_001141973.3); c.2397+170C>G (NM_001141974.3); short protein forms S815C, S820C.
Identifiers: ClinVar variation 2143182 (VCV002143182.4), dbSNP rs755157804, ClinGen allele CA636822.
Genomic context (GRCh38, chr1:16,989,957, plus strand): 5'-AGCTTGGGGAAGTGCTTCACAATGATACCAAAGGTGGGCCCGCTGAGGGCCAGGTGCCTG[G>C]ATCGGGGGTCTGGCTCCACGGTGTAGCTTGCAGCCTGGTCAGGATCCTGGGGGCCCAGGA-3'
Protein context (NP_071372.1, residues 810-830): ASYTVEPDPR[Ser820Cys]RHLALSGPTF

ClinVar aggregate classification (germline): Uncertain significance (1 of 4 stars; one submission).

Conditions:
Autosomal recessive spastic paraplegia type 78. Identifiers: Orphanet 513436, MedGen C5567893, MONDO:0014975, OMIM 617225.
Kufor-Rakeb syndrome (KRS). Also called: PARKINSON DISEASE 9, AUTOSOMAL RECESSIVE, JUVENILE-ONSET. Identifiers: Orphanet 306674, Orphanet 314632, MedGen C1847640, MONDO:0011706, OMIM 606693.

Allele frequency attached by ClinVar (database versions not stated): gnomAD exomes below 0.00001; ExAC 0.00002.
gnomAD v4.1: 4 of 1,606,716 alleles (0.00025%); highest among the groups gnomAD compares: Non-Finnish European, 0.00025%; no homozygotes.

Submission:

Labcorp Genetics (formerly Invitae), Labcorp
Classification: Uncertain significance for Kufor-Rakeb syndrome; Autosomal recessive spastic paraplegia type 78. Last evaluated: 2022-04-13. Review status: criteria provided, single submitter. Criteria: Invitae Variant Classification Sherloc (09022015). Collection method: clinical testing. Allele origin: germline.
Comment: In summary, the available evidence is currently insufficient to determine the role of this variant in disease. Therefore, it has been classified as a Variant of Uncertain Significance. Advanced modeling of protein sequence and biophysical properties (such as structural, functional, and spatial information, amino acid conservation, physicochemical variation, residue mobility, and thermodynamic stability) performed at Invitae indicates that this missense variant is not expected to disrupt ATP13A2 protein function. This variant has not been reported in the literature in individuals affected with ATP13A2-related conditions. This variant is present in population databases (rs755157804, gnomAD 0.003%). This sequence change replaces serine, which is neutral and polar, with cysteine, which is neutral and slightly polar, at codon 820 of the ATP13A2 protein (p.Ser820Cys).